The following is an entry in ClinVar:

NM_014141.6(CNTNAP2):c.3427G>A (p.Asp1143Asn)

Gene: CNTNAP2 (contactin associated protein 2; plus strand). Cytogenetic location: 7q36.1.
Variant type: single nucleotide variant.
Coding change: c.3427G>A on transcript NM_014141.6 (MANE Select); coding-DNA position 3427, G replaced by A.
Protein change: p.Asp1143Asn; replaces aspartic acid 1143 with asparagine.
Molecular consequence: missense variant.
Genome position (GRCh38, 1-based): chr7:148,267,078, G>A. VCF-style: chr7-148267078-G-A. GRCh37 (hg19) VCF-style: chr7-147964170-G-A.
Other names: short protein forms D1143N.
Identifiers: ClinVar variation 434799 (VCV000434799.12), dbSNP rs765950760, ClinGen allele CA4546652.

ClinVar aggregate classification (germline): Uncertain significance. Review status: criteria provided, multiple submitters, no conflicts (2 of 4 stars). 5 submissions from 5 submitters: Uncertain significance (5). Last evaluated 2022-10-17.

Conditions:
Inborn genetic diseases. Identifiers: MedGen C0950123, MeSH D030342.
Cortical dysplasia-focal epilepsy syndrome (PTHSL1). Also called: Pitt-Hopkins-like syndrome 1. Identifiers: Orphanet 163681, Orphanet 221150, MedGen C2750246, MONDO:0012400, OMIM 610042.

Allele frequency attached by ClinVar (database versions not stated): gnomAD exomes 0.00003; ExAC 0.00004; TOPMed 0.00004; gnomAD 0.00009.
gnomAD v4.1: 55 of 1,614,028 alleles (0.0034%); highest among the groups gnomAD compares: African/African-American, 0.015%; no homozygotes.

Submissions (5):

Labcorp Genetics (formerly Invitae), Labcorp
Classification: Uncertain significance for Cortical dysplasia-focal epilepsy syndrome. Last evaluated: 2022-10-17. Review status: criteria provided, single submitter. Criteria: Invitae Variant Classification Sherloc (09022015). Collection method: clinical testing. Allele origin: germline.
Comment: This sequence change replaces aspartic acid, which is acidic and polar, with asparagine, which is neutral and polar, at codon 1143 of the CNTNAP2 protein (p.Asp1143Asn). This variant is present in population databases (rs765950760, gnomAD 0.01%). This variant has not been reported in the literature in individuals affected with CNTNAP2-related conditions. ClinVar contains an entry for this variant (Variation ID: 434799). Algorithms developed to predict the effect of missense changes on protein structure and function are either unavailable or do not agree on the potential impact of this missense change (SIFT: "Deleterious"; PolyPhen-2: "Benign"; Align-GVGD: "Class C15"). In summary, the available evidence is currently insufficient to determine the role of this variant in disease. Therefore, it has been classified as a Variant of Uncertain Significance.

Ambry Genetics
Classification: Uncertain significance for Inborn genetic diseases. Last evaluated: 2019-09-21. Review status: criteria provided, single submitter. Criteria: Ambry Variant Classification Scheme 2023. Collection method: clinical testing. Allele origin: germline.
Comment: The p.D1143N variant (also known as c.3427G>A), located in coding exon 21 of the CNTNAP2 gene, results from a G to A substitution at nucleotide position 3427. The aspartic acid at codon 1143 is replaced by asparagine, an amino acid with highly similar properties. This amino acid position is highly conserved in available vertebrate species. In addition, this alteration is predicted to be tolerated by in silico analysis. Since supporting evidence is limited at this time, the clinical significance of this alteration remains unclear.

Baylor Genetics
Classification: Uncertain significance for Cortical dysplasia-focal epilepsy syndrome. Last evaluated: 2018-07-20. Review status: criteria provided, single submitter. Criteria: ACMG Guidelines, 2015. Collection method: clinical testing. Allele origin: paternal. Affected: yes.
Comment: This variant was determined to be of uncertain significance according to ACMG Guidelines, 2015 [PMID:25741868].

GeneDx
Classification: Uncertain significance. Last evaluated: 2017-11-02. Review status: criteria provided, single submitter. Criteria: GeneDx Variant Classification (06012015). Collection method: clinical testing. Allele origin: germline. Affected: yes.
Comment: A variant of uncertain significance has been identified in the CNTNAP2 gene. The D1143N variant has not been published as a pathogenic variant, nor has it been reported as a benign variant to our knowledge. The D1143N variant is observed in 5/34420 (0.001%) alleles from individuals of Latino background (Lek et al., 2016). The D1143N variant is a semi-conservative amino acid substitution, which may impact secondary protein structure as these residues differ in some properties. This substitution occurs at a position that is conserved in mammals, and in silico analysis predicts this variant is probably damaging to the protein structure/function. Therefore, based on the currently available information, it is unclear whether this variant is a pathogenic variant or a rare benign variant.

Genetic Services Laboratory, University of Chicago
Classification: Uncertain significance. Last evaluated: 2016-02-17. Review status: criteria provided, single submitter. Criteria: ACMG Guidelines, 2015. Collection method: clinical testing. Allele origin: germline. Affected: no.